The following is an entry in ClinVar:

ClinVar aggregate classification (germline): Likely benign (1 of 4 stars; one submission).

gnomAD v4.1: 39 of 1,589,230 alleles (0.0025%); highest among the groups gnomAD compares: South Asian, 0.0068%; no homozygotes.

Submission:

CeGaT Center for Human Genetics Tuebingen
Classification: Likely benign. Last evaluated: 2025-11-01. Review status: criteria provided, single submitter. Criteria: CeGaT Center For Human Genetics Tuebingen Variant Classification Criteria Version 2. Collection method: clinical testing. Allele origin: germline. Affected: yes. Observed: 1 variant allele.
Comment: CHD5: BP4, BP7

NM_015557.3(CHD5):c.273T>C (p.Ser91=)

Gene: CHD5 (chromodomain helicase DNA binding protein 5; minus strand). Cytogenetic location: 1p36.31.
Variant type: single nucleotide variant.
Coding change: c.273T>C on transcript NM_015557.3 (MANE Select); coding-DNA position 273, T replaced by C.
Protein change: p.Ser91=; no amino-acid change (serine 91 retained).
Molecular consequence: synonymous variant.
Genome position (GRCh38, 1-based): chr1:6,159,450, A>G on the plus strand (T>C on the coding strand, the complement: CHD5 is on the minus strand). VCF-style: chr1-6159450-A-G. GRCh37 (hg19) VCF-style: chr1-6219510-A-G.
Identifiers: ClinVar variation 4533985 (VCV004533985.6).